The following is an entry in ClinVar:

ClinVar aggregate classification (germline): Uncertain significance. Review status: criteria provided, multiple submitters, no conflicts (2 of 4 stars). 4 submissions from 4 submitters: Uncertain significance (4). Last evaluated 2025-09-15.

Conditions:
Hereditary cancer-predisposing syndrome. Also called: Neoplastic Syndromes, Hereditary; Tumor predisposition; Hereditary Cancer Syndrome; Hereditary neoplastic syndrome. Identifiers: Orphanet 140162, MedGen C0027672, MeSH D009386, MONDO:0015356.
DICER1-related tumor predisposition. Also called: DICER1-related pleuropulmonary blastoma cancer predisposition syndrome; DICER1 syndrome. Identifiers: Orphanet 284343, MedGen C3839822, MONDO:0100216.

Allele frequency attached by ClinVar (database versions not stated): gnomAD exomes below 0.00001 and 0.00001.
gnomAD v4.1: 6 of 1,613,966 alleles (0.00037%); highest among the groups gnomAD compares: Admixed American, 0.0033%; no homozygotes.

Submissions (4):

Labcorp Genetics (formerly Invitae), Labcorp
Classification: Uncertain significance for DICER1-related tumor predisposition. Last evaluated: 2025-09-15. Review status: criteria provided, single submitter. Criteria: Invitae Variant Classification Sherloc (09022015). Collection method: clinical testing. Allele origin: germline.
Comment: This sequence change replaces proline, which is neutral and non-polar, with leucine, which is neutral and non-polar, at codon 1869 of the DICER1 protein (p.Pro1869Leu). This variant is present in population databases (no rsID available, gnomAD 0.006%). This variant has not been reported in the literature in individuals affected with DICER1-related conditions. ClinVar contains an entry for this variant (Variation ID: 543571). Invitae Evidence Modeling of protein sequence and biophysical properties (such as structural, functional, and spatial information, amino acid conservation, physicochemical variation, residue mobility, and thermodynamic stability) indicates that this missense variant is not expected to disrupt DICER1 protein function with a negative predictive value of 95%. In summary, the available evidence is currently insufficient to determine the role of this variant in disease. Therefore, it has been classified as a Variant of Uncertain Significance.

Quest Diagnostics Nichols Institute San Juan Capistrano
Classification: Uncertain significance. Last evaluated: 2025-07-23. Review status: criteria provided, single submitter. Criteria: Quest Diagnostics criteria. Collection method: clinical testing. Allele origin: unknown.
Comment: The DICER1 c.5606C>T (p.Pro1869Leu) variant has not been reported in individuals with DICER1-related conditions in the published literature. The frequency of this variant in the general population (Genome Aggregation Database) is uninformative in the assessment of its pathogenicity. Analysis of this variant using bioinformatics tools for the prediction of the effect of amino acid changes on protein structure and function yielded predictions that this variant is damaging. Based on the available information, we are unable to determine the clinical significance of this variant.

Ambry Genetics
Classification: Uncertain significance for Hereditary cancer-predisposing syndrome. Last evaluated: 2024-05-31. Review status: criteria provided, single submitter. Criteria: Ambry Variant Classification Scheme 2023. Collection method: clinical testing. Allele origin: germline.
Comment: The p.P1869L variant (also known as c.5606C>T), located in coding exon 26 of the DICER1 gene, results from a C to T substitution at nucleotide position 5606. The proline at codon 1869 is replaced by leucine, an amino acid with similar properties. This amino acid position is highly conserved in available vertebrate species. In addition, this alteration is predicted to be deleterious by in silico analysis. Since supporting evidence is limited at this time, the clinical significance of this alteration remains unclear.

GeneDx
Classification: Uncertain significance. Last evaluated: 2023-03-06. Review status: criteria provided, single submitter. Criteria: GeneDx Variant Classification Process June 2021. Collection method: clinical testing. Allele origin: germline. Affected: yes.
Comment: Not observed at significant frequency in large population cohorts (gnomAD); In silico analysis supports that this missense variant has a deleterious effect on protein structure/function; Has not been previously published as pathogenic or benign to our knowledge

NM_177438.3(DICER1):c.5606C>T (p.Pro1869Leu)

Gene: DICER1 (dicer 1, ribonuclease III; minus strand). Cytogenetic location: 14q32.13.
Variant type: single nucleotide variant.
Coding change: c.5606C>T on transcript NM_177438.3 (MANE Select); coding-DNA position 5606, C replaced by T.
Protein change: p.Pro1869Leu; replaces proline 1869 with leucine.
Molecular consequence: missense variant.
Genome position (GRCh38, 1-based): chr14:95,090,661, G>A on the plus strand (C>T on the coding strand, the complement: DICER1 is on the minus strand). VCF-style: chr14-95090661-G-A. GRCh37 (hg19) VCF-style: chr14-95556998-G-A.
Other names: c.5443C>T, p.Arg1815Trp (NM_001195573.1); c.5606C>T, p.Pro1869Leu (NM_001271282.3, NM_001291628.2, NM_030621.4); short protein forms P1869L, R1815W.
Identifiers: ClinVar variation 543571 (VCV000543571.15), dbSNP rs1459884777, ClinGen allele CA390863829.